The following is an entry in ClinVar:

NM_001009944.3(PKD1):c.9049T>G (p.Tyr3017Asp)

Gene: PKD1 (polycystin 1, transient receptor potential channel interacting; minus strand). Cytogenetic location: 16p13.3.
Variant type: single nucleotide variant.
Coding change: c.9049T>G on transcript NM_001009944.3 (MANE Select); coding-DNA position 9049, T replaced by G.
Protein change: p.Tyr3017Asp; replaces tyrosine 3017 with aspartic acid.
Molecular consequence: missense variant.
Genome position (GRCh38, 1-based): chr16:2,102,533, A>C on the plus strand (T>G on the coding strand, the complement: PKD1 is on the minus strand). VCF-style: chr16-2102533-A-C. GRCh37 (hg19) VCF-style: chr16-2152534-A-C.
Other names: c.9049T>G, p.Tyr3017Asp (NM_000296.4); short protein forms Y3017D.
Identifiers: ClinVar variation 3066271 (VCV003066271.1), dbSNP rs2544733483, ClinGen allele CA394360735.

ClinVar aggregate classification (germline): Uncertain significance (1 of 4 stars; one submission).

Conditions:
Polycystic kidney disease, adult type (PKD1). Also called: Polycystic Kidney, Autosomal Dominant; POLYCYSTIC KIDNEY DISEASE 1 WITH OR WITHOUT POLYCYSTIC LIVER DISEASE; Polycystic Kidney Disease 1, Autosomal Dominant; Polycystic kidney disease 1; Polycystic kidney disease 1, severe; POLYCYSTIC KIDNEY DISEASE, ADULT, TYPE I. Identifiers: MedGen C3149841, MONDO:0008263, OMIM 173900.

Allele frequency attached by ClinVar (database versions not stated): gnomAD exomes below 0.00001.
gnomAD v4.1: 1 of 1,609,620 alleles (0.000062%); highest among the groups gnomAD compares: Non-Finnish European, 0.000085%; no homozygotes.

Submission:

MVZ Medizinische Genetik Mainz
Classification: Uncertain significance for Polycystic kidney disease, adult type. Last evaluated: 2022-10-21. Review status: criteria provided, single submitter. Criteria: UK Practice Guidelines For Variant Classification V4 01 2020. Collection method: clinical testing. Allele origin: germline. Inheritance: Autosomal dominant inheritance. Affected: yes. Observed: 1 variant allele.
Comment: ACMG Criteria: PM2_SUP, PP3 (ACMG Version 4)